The following is an entry in ClinVar:

ClinVar aggregate classification (germline): Likely pathogenic (1 of 4 stars; one submission).

Conditions:
Lethal multiple pterygium syndrome (LMPS). Identifiers: Orphanet 33108, MedGen C1854678, MONDO:0009668, OMIM 253290.

Submission:

Labcorp Genetics (formerly Invitae), Labcorp
Classification: Likely pathogenic for Lethal multiple pterygium syndrome. Last evaluated: 2023-04-14. Review status: criteria provided, single submitter. Criteria: Invitae Variant Classification Sherloc (09022015). Collection method: clinical testing. Allele origin: germline.
Comment: In summary, the currently available evidence indicates that the variant is pathogenic, but additional data are needed to prove that conclusively. Therefore, this variant has been classified as Likely Pathogenic. Advanced modeling of protein sequence and biophysical properties (such as structural, functional, and spatial information, amino acid conservation, physicochemical variation, residue mobility, and thermodynamic stability) performed at Invitae indicates that this missense variant is expected to disrupt CHRND protein function. ClinVar contains an entry for this variant (Variation ID: 2127503). This missense change has been observed in individual(s) with autosomal recessive congenital myasthenic syndrome (PMID: 29390429). In at least one individual the data is consistent with being in trans (on the opposite chromosome) from a pathogenic variant. This variant is not present in population databases (gnomAD no frequency). This sequence change replaces tryptophan, which is neutral and slightly polar, with cysteine, which is neutral and slightly polar, at codon 141 of the CHRND protein (p.Trp141Cys).

Literature cited by the submitters: PubMed 29390429.

NM_000751.3(CHRND):c.423G>C (p.Trp141Cys)

Gene: CHRND (cholinergic receptor nicotinic delta subunit; plus strand). Cytogenetic location: 2q37.1.
Variant type: single nucleotide variant.
Coding change: c.423G>C on transcript NM_000751.3 (MANE Select); coding-DNA position 423, G replaced by C.
Protein change: p.Trp141Cys; replaces tryptophan 141 with cysteine.
Molecular consequence: missense variant.
Genome position (GRCh38, 1-based): chr2:232,528,570, G>C. VCF-style: chr2-232528570-G-C. GRCh37 (hg19) VCF-style: chr2-233393280-G-C.
Other names: c.378G>C, p.Trp126Cys (NM_001256657.2); c.152G>C, p.Gly51Ala (NM_001311195.2); c.120G>C, p.Trp40Cys (NM_001311196.2); short protein forms G51A, W126C, W141C, W40C.
Identifiers: ClinVar variation 2127503 (VCV002127503.4), dbSNP rs2469719176, ClinGen allele CA350998097.